The following is an entry in ClinVar:

NM_001128840.3(CACNA1D):c.3096C>T (p.Ile1032=)

Gene: CACNA1D (calcium voltage-gated channel subunit alpha1 D; plus strand). Cytogenetic location: 3p21.1.
Variant type: single nucleotide variant.
Coding change: c.3096C>T on transcript NM_001128840.3 (MANE Select); coding-DNA position 3096, C replaced by T.
Protein change: p.Ile1032=; no amino-acid change (isoleucine 1032 retained).
Molecular consequence: synonymous variant.
Genome position (GRCh38, 1-based): chr3:53,745,713, C>T. VCF-style: chr3-53745713-C-T. GRCh37 (hg19) VCF-style: chr3-53779740-C-T.
Other names: c.3156C>T, p.Ile1052= (NM_000720.4); c.3096C>T, p.Ile1032= (NM_001128839.3).
Identifiers: ClinVar variation 2984800 (VCV002984800.11), dbSNP rs748472283, ClinGen allele CA2454443.

ClinVar aggregate classification (germline): Likely benign. Review status: criteria provided, multiple submitters, no conflicts (2 of 4 stars). 2 submissions from 2 submitters: Likely benign (2). Last evaluated 2025-08-01.

Allele frequency attached by ClinVar (database versions not stated): TOPMed below 0.00001; ExAC 0.00001; gnomAD 0.00001; gnomAD exomes 0.00001.
gnomAD v4.1: 17 of 1,613,258 alleles (0.0011%); highest among the groups gnomAD compares: South Asian, 0.0088%; no homozygotes.

Submissions (2):

CeGaT Center for Human Genetics Tuebingen
Classification: Likely benign. Last evaluated: 2025-08-01. Review status: criteria provided, single submitter. Criteria: CeGaT Center For Human Genetics Tuebingen Variant Classification Criteria Version 2. Collection method: clinical testing. Allele origin: germline. Affected: yes. Observed: 1 variant allele.
Comment: CACNA1D: BP4, BP7

Labcorp Genetics (formerly Invitae), Labcorp
Classification: Likely benign. Last evaluated: 2025-07-16. Review status: criteria provided, single submitter. Criteria: Invitae Variant Classification Sherloc (09022015). Collection method: clinical testing. Allele origin: germline.